The following is an entry in ClinVar:

NM_001365951.3(KIF1B):c.3970G>C (p.Glu1324Gln)

Gene: KIF1B (kinesin family member 1B; plus strand). Cytogenetic location: 1p36.22.
Variant type: single nucleotide variant.
Coding change: c.3970G>C on transcript NM_001365951.3 (MANE Select); coding-DNA position 3970, G replaced by C.
Protein change: p.Glu1324Gln; replaces glutamic acid 1324 with glutamine.
Molecular consequence: missense variant.
Genome position (GRCh38, 1-based): chr1:10,352,651, G>C. VCF-style: chr1-10352651-G-C. GRCh37 (hg19) VCF-style: chr1-10412709-G-C.
Other names: c.3970G>C, p.Glu1324Gln (NM_001365952.1); c.3832G>C, p.Glu1278Gln (NM_015074.3); short protein forms E1324Q, E1278Q.
Identifiers: ClinVar variation 2624427 (VCV002624427.3), dbSNP rs2521827969, ClinGen allele CA338344344.
Genomic context (GRCh38, chr1:10,352,651, plus strand): 5'-AAATGTGTCCGTGCTCTGTTTTTTTTATCCTTTCTTTTAGGTCGTATTCGGAATAAGCCT[G>C]AGGTGGATGAAGCTGCAGTTGATGCCATCCTCTCCCTAAATATTATTTCTGCCAAGTACC-3'
Protein context (NP_001352880.1, residues 1314-1334): LVVGRIRNKP[Glu1324Gln]VDEAAVDAIL

ClinVar aggregate classification (germline): Uncertain significance (1 of 4 stars; one submission).

Allele frequency attached by ClinVar (database versions not stated): gnomAD exomes below 0.00001.
gnomAD v4.1: 1 of 1,613,812 alleles (0.000062%); highest among the groups gnomAD compares: Non-Finnish European, 0.000085%; no homozygotes.

Submission:

Ambry Genetics
Classification: Uncertain significance. Last evaluated: 2025-08-08. Review status: criteria provided, single submitter. Criteria: Ambry Variant Classification Scheme 2023. Collection method: clinical testing. Allele origin: germline.
Comment: The p.E1278Q variant (also known as c.3832G>C), located in coding exon 35 of the KIF1B gene, results from a G to C substitution at nucleotide position 3832. The glutamic acid at codon 1278 is replaced by glutamine, an amino acid with highly similar properties. This amino acid position is conserved. In addition, the in silico prediction for this alteration is inconclusive. Since supporting evidence is limited at this time, the clinical significance of this alteration remains unclear.